The following is an entry in ClinVar:

NM_001211.6(BUB1B):c.3015T>G (p.Asp1005Glu)

Genes: BUB1B (BUB1 mitotic checkpoint serine/threonine kinase B; plus strand), BUB1B-PAK6 (BUB1B-PAK6 readthrough; plus strand). Cytogenetic location: 15q15.1.
Variant type: single nucleotide variant.
Coding change: c.3015T>G on transcript NM_001211.6 (MANE Select); coding-DNA position 3015, T replaced by G.
Protein change: p.Asp1005Glu; replaces aspartic acid 1005 with glutamic acid.
Molecular consequence: missense variant. On other transcripts: intron variant (2).
Genome position (GRCh38, 1-based): chr15:40,220,621, T>G. VCF-style: chr15-40220621-T-G. GRCh37 (hg19) VCF-style: chr15-40512822-T-G.
Other names: c.-201+2954T>G (NM_001128628.3); c.-118+2954T>G (NM_001128629.3); short protein forms D1005E.
Identifiers: ClinVar variation 1798851 (VCV001798851.4), dbSNP rs902224077, ClinGen allele CA268763461.

ClinVar aggregate classification (germline): Uncertain significance. Review status: criteria provided, multiple submitters, no conflicts (2 of 4 stars). 2 submissions from 2 submitters: Uncertain significance (2). Last evaluated 2025-10-09.

Conditions:
Inborn genetic diseases. Identifiers: MedGen C0950123, MeSH D030342.
Mosaic variegated aneuploidy syndrome 1 (MVA1). Also called: Warburton-Anyane-Yeboa syndrome. Identifiers: Orphanet 1052, MedGen C1850343, MONDO:0009759, OMIM 257300.

Allele frequency attached by ClinVar (database versions not stated): gnomAD 0.00001; gnomAD exomes below 0.00001; TOPMed 0.00002.
gnomAD v4.1: 7 of 1,614,110 alleles (0.00043%); highest among the groups gnomAD compares: African/African-American, 0.008%; no homozygotes.

Submissions (2):

Ambry Genetics
Classification: Uncertain significance for Inborn genetic diseases. Last evaluated: 2025-10-09. Review status: criteria provided, single submitter. Criteria: Ambry Variant Classification Scheme 2023. Collection method: clinical testing. Allele origin: germline.
Comment: The p.D1005E variant (also known as c.3015T>G), located in coding exon 23 of the BUB1B gene, results from a T to G substitution at nucleotide position 3015. The aspartic acid at codon 1005 is replaced by glutamic acid, an amino acid with highly similar properties. This amino acid position is conserved. In addition, this alteration is predicted to be tolerated by in silico analysis. Since supporting evidence is limited at this time, the clinical significance of this alteration remains unclear.

St. Jude Molecular Pathology, St. Jude Children's Research Hospital
Classification: Uncertain significance for Mosaic variegated aneuploidy syndrome 1. Last evaluated: 2023-09-22. Review status: criteria provided, single submitter. Criteria: St. Jude Assertion Criteria 2020. Collection method: clinical testing. Allele origin: germline.
Comment: The BUB1B c.3015T>G (p.Asp1005Glu) missense change has a maximum subpopulation frequency of 0.002% in gnomAD v2.1.1. The in silico tool REVEL predicts a benign effect on protein function, but to our knowledge this prediction has not been confirmed by functional studies. To our knowledge, this variant has not been reported in individuals with mosaic variegated aneuploidy syndrome. In summary, the evidence currently available is insufficient to determine the role of this variant in mosaic variegated aneuploidy syndrome. It has therefore been classified as of uncertain significance.